The following is an entry in ClinVar:

ClinVar aggregate classification (germline): Uncertain significance. Review status: criteria provided, multiple submitters, no conflicts (2 of 4 stars). 2 submissions from 2 submitters: Uncertain significance (2). Last evaluated 2023-09-01.

Allele frequency attached by ClinVar (database versions not stated): TOPMed 0.00003; gnomAD 0.00004; ExAC 0.00007.
gnomAD v4.1: 150 of 1,514,454 alleles (0.0099%); highest among the groups gnomAD compares: Middle Eastern, 0.43%; no homozygotes.

Submissions (2):

CeGaT Center for Human Genetics Tuebingen
Classification: Uncertain significance. Last evaluated: 2023-09-01. Review status: criteria provided, single submitter. Criteria: CeGaT Center For Human Genetics Tuebingen Variant Classification Criteria Version 2. Collection method: clinical testing. Allele origin: germline. Affected: yes. Observed: 1 variant allele.
Comment: BSN: PM2

Ambry Genetics
Classification: Uncertain significance. Last evaluated: 2021-08-10. Review status: criteria provided, single submitter. Criteria: Ambry Variant Classification Scheme 2023. Collection method: clinical testing. Allele origin: germline.

NM_003458.4(BSN):c.230C>T (p.Ser77Phe)

Gene: BSN (bassoon presynaptic cytomatrix protein; plus strand). Cytogenetic location: 3p21.31.
Variant type: single nucleotide variant.
Coding change: c.230C>T on transcript NM_003458.4 (MANE Select); coding-DNA position 230, C replaced by T.
Protein change: p.Ser77Phe; replaces serine 77 with phenylalanine.
Molecular consequence: missense variant.
Genome position (GRCh38, 1-based): chr3:49,624,980, C>T. VCF-style: chr3-49624980-C-T. GRCh37 (hg19) VCF-style: chr3-49662413-C-T.
Other names: short protein forms S77F.
Identifiers: ClinVar variation 2226477 (VCV002226477.26), dbSNP rs756887221, ClinGen allele CA2399364.
Genomic context (GRCh38, chr3:49,624,980, plus strand): 5'-CGCAAGCTGCTTCTCTAAGCTGTATCTCTAACAGTCATTTTCAATGTCATTTCAGCACTT[C>T]CCGGAGACTGGACCCCAAGGAACCCCTGGGTAACCAGAGAGCAGCTTCCCCAACTCCGAA-3'
Protein context (NP_003449.2, residues 67-87): PGPGPGPGST[Ser77Phe]RRLDPKEPLG